The following is an entry in ClinVar:

ClinVar aggregate classification (germline): Uncertain significance (1 of 4 stars; one submission).

Submission:

GeneDx
Classification: Uncertain significance. Last evaluated: 2018-02-16. Review status: criteria provided, single submitter. Criteria: GeneDx Variant Classification (06012015). Collection method: clinical testing. Allele origin: germline. Affected: yes.
Comment: The c.87_88delTC variant in the RAF1 gene has not been reported previously as a pathogenic variant, nor as a benign variant, to our knowledge. The c.87_88delTC variant causes a frameshift starting with codon Proline 30, changes this amino acid to a Tyrosine residue, and creates a premature Stop codon at position 15 of the new reading frame, denoted p.Pro30TyrfsX15. This variant is predicted to cause loss of normal protein function either through protein truncation or nonsense-mediated mRNA decay. However, the disease mechanism for the RAF1 gene is known to be gain-of-function. The c.87_88delTC variant is not observed in large population cohorts (Lek et al., 2016). We interpret c.87_88delTC as a variant of uncertain significance.

NM_002880.4(RAF1):c.87_88del (p.Pro30fs)

Gene: RAF1 (Raf-1 proto-oncogene, serine/threonine kinase; minus strand). Cytogenetic location: 3p25.2.
Variant type: Microsatellite.
Coding change: c.87_88del on transcript NM_002880.4 (MANE Select); coding-DNA positions 87 to 88, 2 bases deleted (TC; older notation c.87_88delTC).
Protein change: p.Pro30fs; shifts the reading frame from proline 30.
Molecular consequence: frameshift variant. On other transcripts: 5 prime UTR variant (4), non-coding transcript variant (3).
Genome position (GRCh38, 1-based): chr3:12,618,634-12,618,635, GA deleted on the plus strand (TC on the coding strand, the reverse complement: RAF1 is on the minus strand); deleting any 2 consecutive bases within chr3:12,618,634-12,618,639 gives the same sequence; the c. name uses the placement nearest the transcript's 3' end. VCF-style (leftmost placement, unchanged base first): chr3-12618633-GGA-G. GRCh37 (hg19) VCF-style: chr3-12660132-GGA-G.
Other names: c.87_88delTC (NM_002880.3); c.87_88del, p.Pro30fs (NM_001354689.3, NM_001354690.3, NM_001354693.3); c.-48TC[2] (NM_001354691.3, NM_001354692.3, NM_001354694.3 and 1 more transcripts); short protein forms P30fs.
Identifiers: ClinVar variation 503767 (VCV000503767.2), dbSNP rs1553616654, ClinGen allele CA658796243.